The following is an entry in ClinVar:

NM_000432.4(MYL2):c.438dup (p.Thr147fs)

Gene: MYL2 (myosin light chain 2; minus strand). Cytogenetic location: 12q24.11.
Variant type: Duplication.
Coding change: c.438dup on transcript NM_000432.4 (MANE Select); coding-DNA position 438, one base duplicated (G; older notation c.438dupG).
Protein change: p.Thr147fs; shifts the reading frame from threonine 147.
Molecular consequence: frameshift variant.
Genome position (GRCh38, 1-based): chr12:110,911,140, C duplicated on the plus strand (G on the coding strand, the reverse complement: MYL2 is on the minus strand). VCF-style (leftmost placement, unchanged base first): chr12-110911139-T-TC. GRCh37 (hg19) VCF-style: chr12-111348943-T-TC.
Other names: short protein forms T147fs.
Identifiers: ClinVar variation 920850 (VCV000920850.3), dbSNP rs2071649166, ClinGen allele CA913188486.
Genomic context (GRCh38, chr12:110,911,139, plus strand): 5'-AGTCCTTCTCTTCTCCGTGGGTGATGATGTGCACCAGGTTCTTGTAGTCCAAGTTGCCAG[T>TC]CACGTCAGGGGGGAAGGCGGCGAACATCTGGTCAACCTGCAATGAGCCAGCAACACGTGC-3'

ClinVar aggregate classification (germline): Uncertain significance (1 of 4 stars; one submission).

Conditions:
Cardiomyopathy (CMYO). Also called: Cardiomyopathies. Identifiers: Orphanet 167848, MedGen C0878544, MONDO:0004994, HP:0001638. Inheritance: Various modes of inheritance.

Submission:

Color Diagnostics, LLC DBA Color Health
Classification: Uncertain significance for Cardiomyopathy. Last evaluated: 2019-01-31. Review status: criteria provided, single submitter. Criteria: ACMG Guidelines, 2015. Collection method: clinical testing. Allele origin: germline.
Comment: Variant of Uncertain Significance due to insufficient evidence: This variant inserts 1 nucleotide in the last exon 7 of the MYL2 gene and causes a frameshift. As a result, it is expected that the last 20 amino acids of the protein are disrupted and 35 new amino acids are added. To our knowledge, functional assays have not been performed for this variant nor has this variant been reported in individuals affected with cardiovascular disorders in the literature. This variant is rare in the general population and has been identified in 0/277264 chromosomes by the Genome Aggregation Database (gnomAD). Available evidence is insufficient to determine the role of this variant in disease conclusively.